The following is an entry in ClinVar:

NM_001377540.1(SLMAP):c.852T>G (p.Asp284Glu)

Gene: SLMAP (sarcolemma associated protein; plus strand). Cytogenetic location: 3p14.3.
Variant type: single nucleotide variant.
Coding change: c.852T>G on transcript NM_001377540.1 (MANE Select); coding-DNA position 852, T replaced by G.
Protein change: p.Asp284Glu; replaces aspartic acid 284 with glutamic acid.
Molecular consequence: missense variant. On other transcripts: non-coding transcript variant (1).
Genome position (GRCh38, 1-based): chr3:57,861,972, T>G. VCF-style: chr3-57861972-T-G. GRCh37 (hg19) VCF-style: chr3-57847699-T-G.
Other names: c.852T>G, p.Asp284Glu (NM_001304420.3, NM_001304421.2, NM_001377538.1 and 17 more transcripts); short protein forms D284E.
Identifiers: ClinVar variation 1507940 (VCV001507940.8), dbSNP rs2153600640, ClinGen allele CA353407840.
Genomic context (GRCh38, chr3:57,861,972, plus strand): 5'-TTATTCTAATTAAATTGCCTGTAAACTTGAATCGCAGCGAAGTCTGAGTAATACTGAAGA[T>G]GAATGTACCCATCTGAAAGAAATGAATGAAAGGACTCAGGAAGAATTAAGAGAATTAGCC-3'
Protein context (NP_001364469.1, residues 274-294): EVERSLSNTE[Asp284Glu]ECTHLKEMNE

ClinVar aggregate classification (germline): Uncertain significance (1 of 4 stars; one submission).

Conditions:
Brugada syndrome. Also called: Sudden unexpected nocturnal death syndrome; Sudden Unexplained Death Syndrome; Sudden Unexplained Nocturnal Death Syndrome (SUNDS); Sudden unexplained nocturnal death syndrome. Identifiers: Orphanet 130, MedGen C1142166, MONDO:0015263.

Submission:

Labcorp Genetics (formerly Invitae), Labcorp
Classification: Uncertain significance for Brugada syndrome. Last evaluated: 2021-07-07. Review status: criteria provided, single submitter. Criteria: Invitae Variant Classification Sherloc (09022015). Collection method: clinical testing. Allele origin: germline.
Comment: In summary, the available evidence is currently insufficient to determine the role of this variant in disease. Therefore, it has been classified as a Variant of Uncertain Significance. Algorithms developed to predict the effect of missense changes on protein structure and function (SIFT, PolyPhen-2, Align-GVGD) all suggest that this variant is likely to be tolerated. This variant has not been reported in the literature in individuals affected with SLMAP-related conditions. This variant is not present in population databases (ExAC no frequency). This sequence change replaces aspartic acid with glutamic acid at codon 284 of the SLMAP protein (p.Asp284Glu). The aspartic acid residue is highly conserved and there is a small physicochemical difference between aspartic acid and glutamic acid.